The following is an entry in ClinVar:

NC_000002.11:g.(?_26624858)_(26647342_?)del

Gene: DRC1 (dynein regulatory complex subunit 1; plus strand). Cytogenetic location: 2p23.3.
Variant type: Deletion.
Identifiers: ClinVar variation 2427324 (VCV002427324.12).

ClinVar aggregate classification (germline): Pathogenic (1 of 4 stars; one submission).

Conditions:
Primary ciliary dyskinesia. Also called: Ciliary dyskinesia. Identifiers: Orphanet 244, MedGen C0008780, MONDO:0016575, HP:0012265.

Submission:

Labcorp Genetics (formerly Invitae), Labcorp
Classification: Pathogenic for Primary ciliary dyskinesia. Last evaluated: 2023-01-27. Review status: criteria provided, single submitter. Criteria: Invitae Variant Classification Sherloc (09022015). Collection method: clinical testing. Allele origin: germline.
Comment: For these reasons, this variant has been classified as Pathogenic. A similar copy number variant has been observed in individual(s) with clinical features of primary ciliary dyskinesia (PMID: 31270959, 31701675, 31960620). This variant is a gross deletion of the genomic region encompassing exon(s) 1-4 of the DRC1 gene, which includes the initiator codon. This deletion extends beyond the assayed region for this gene and therefore may encompass additional genes. It is expected to result in an absent or disrupted protein product. Loss-of-function variants in DRC1 are known to be pathogenic (PMID: 23354437, 31960620).

Literature cited by the submitters: PubMed 31270959; PubMed 31701675; PubMed 31960620; PubMed 23354437.